The following is an entry in ClinVar:

NM_152347.5(EFCAB13):c.763C>T (p.Arg255Cys)

Gene: EFCAB13 (EF-hand calcium binding domain 13; plus strand). Cytogenetic location: 17q21.32.
Variant type: single nucleotide variant.
Coding change: c.763C>T on transcript NM_152347.5 (MANE Select); coding-DNA position 763, C replaced by T.
Protein change: p.Arg255Cys; replaces arginine 255 with cysteine.
Molecular consequence: missense variant. On other transcripts: intron variant (1).
Genome position (GRCh38, 1-based): chr17:47,361,479, C>T. VCF-style: chr17-47361479-C-T. GRCh37 (hg19) VCF-style: chr17-45438845-C-T.
Other names: c.763C>T, p.Arg255Cys (NM_001426585.1); c.619C>T, p.Arg207Cys (NM_001426586.1, NM_001426589.1, NM_001426590.1); c.518-8958C>T (NM_001195192.2); short protein forms R207C, R255C.
Identifiers: ClinVar variation 3049039 (VCV003049039.3), dbSNP rs115917803, ClinGen allele CA8623771.
Genomic context (GRCh38, chr17:47,361,479, plus strand): 5'-GGTCGAGTTTCAACTGATGACGTGTTTGCTGTTTTGGATAGCATGGGTATCCCTATAAAC[C>T]GTGAAATTTTAGAAGAAGTGACAAAACATACCTATATTGACAGTGAGTTATTTGCATTGA-3'
Protein context (NP_689560.3, residues 245-265): VLDSMGIPIN[Arg255Cys]EILEEVTKHT

ClinVar aggregate classification (germline): Uncertain significance. Review status: criteria provided, single submitter (1 of 4 stars). 2 submissions from 2 submitters: Uncertain significance (1). 1 of the submissions does not count toward it. Last evaluated 2025-08-25.

Conditions:
EFCAB13-related disorder. Also called: EFCAB13-related condition.

Allele frequency attached by ClinVar (database versions not stated): ExAC 0.00085; gnomAD 0.00226; TOPMed 0.00275; ESP Exome Variant Server 0.00308; 1000 Genomes Project 0.00359; 1000 Genomes Project 30x 0.00375.
gnomAD v4.1: 651 of 1,612,222 alleles (0.04%); highest among the groups gnomAD compares: African/African-American, 0.74%; 1 homozygote.

Submissions (2):

Ambry Genetics
Classification: Uncertain significance. Last evaluated: 2025-08-25. Review status: criteria provided, single submitter. Criteria: Ambry Variant Classification Scheme 2023. Collection method: clinical testing. Allele origin: germline.

PreventionGenetics, part of Exact Sciences
Classification: Benign for EFCAB13-related condition. Last evaluated: 2019-11-25. Review status: no assertion criteria provided. Collection method: clinical testing. Allele origin: germline. Not counted in ClinVar's aggregate classification.
Comment: This variant is classified as benign based on ACMG/AMP sequence variant interpretation guidelines (Richards et al. 2015 PMID: 25741868, with internal and published modifications).